The following is an entry in ClinVar:

ClinVar aggregate classification (germline): Uncertain significance. Review status: criteria provided, multiple submitters, no conflicts (2 of 4 stars). 2 submissions from 2 submitters: Uncertain significance (2). Last evaluated 2024-10-25.

Allele frequency attached by ClinVar (database versions not stated): ESP Exome Variant Server 0.00008.
gnomAD v4.1: 11 of 1,599,808 alleles (0.00069%); highest among the groups gnomAD compares: East Asian, 0.0045%; no homozygotes.

Submissions (2):

Labcorp Genetics (formerly Invitae), Labcorp
Classification: Uncertain significance. Last evaluated: 2024-10-25. Review status: criteria provided, single submitter. Criteria: Invitae Variant Classification Sherloc (09022015). Collection method: clinical testing. Allele origin: germline.
Comment: This sequence change replaces valine, which is neutral and non-polar, with methionine, which is neutral and non-polar, at codon 566 of the WHRN protein (p.Val566Met). The frequency data for this variant in the population databases is considered unreliable, as metrics indicate poor data quality at this position in the gnomAD database. This variant has not been reported in the literature in individuals affected with WHRN-related conditions. ClinVar contains an entry for this variant (Variation ID: 1499005). An algorithm developed to predict the effect of missense changes on protein structure and function (PolyPhen-2) suggests that this variant¬†is likely to be tolerated. In summary, the available evidence is currently insufficient to determine the role of this variant in disease. Therefore, it has been classified as a Variant of Uncertain Significance.

Blueprint Genetics
Classification: Uncertain significance. Last evaluated: 2020-10-13. Review status: criteria provided, single submitter. Criteria: ACMG Guidelines, 2015. Collection method: clinical testing. Allele origin: germline.

NM_015404.4(WHRN):c.1696G>A (p.Val566Met)

Gene: WHRN (whirlin; minus strand). Cytogenetic location: 9q32.
Variant type: single nucleotide variant.
Coding change: c.1696G>A on transcript NM_015404.4 (MANE Select); coding-DNA position 1696, G replaced by A.
Protein change: p.Val566Met; replaces valine 566 with methionine.
Molecular consequence: missense variant.
Genome position (GRCh38, 1-based): chr9:114,407,949, C>T on the plus strand (G>A on the coding strand, the complement: WHRN is on the minus strand). VCF-style: chr9-114407949-C-T. GRCh37 (hg19) VCF-style: chr9-117170229-C-T.
Other names: c.547G>A, p.Val183Met (NM_001083885.3); c.1696G>A, p.Val566Met (NM_001173425.2); c.643G>A, p.Val215Met (NM_001346890.1); short protein forms V183M, V215M, V566M.
Identifiers: ClinVar variation 1499005 (VCV001499005.7), dbSNP rs189654215, ClinGen allele CA5205852.